The following is an entry in ClinVar:

ClinVar aggregate classification (germline): Uncertain significance (1 of 4 stars; one submission).

Submission:

GeneDx
Classification: Uncertain significance. Last evaluated: 2021-06-08. Review status: criteria provided, single submitter. Criteria: GeneDx Variant Classification Process June 2021. Collection method: clinical testing. Allele origin: germline. Affected: yes.
Comment: Has not been previously published as pathogenic or benign to our knowledge; Not observed at significant frequency in large population cohorts (Lek et al., 2016); In silico analysis, which includes protein predictors and evolutionary conservation, supports a deleterious effect; This variant is associated with the following publications: (PMID: 27535533)

NM_001854.4(COL11A1):c.1360G>T (p.Gly454Cys)

Gene: COL11A1 (collagen type XI alpha 1 chain; minus strand). Cytogenetic location: 1p21.1.
Variant type: single nucleotide variant.
Coding change: c.1360G>T on transcript NM_001854.4 (MANE Select); coding-DNA position 1360, G replaced by T.
Protein change: p.Gly454Cys; replaces glycine 454 with cysteine.
Molecular consequence: missense variant. On other transcripts: non-coding transcript variant (1).
Genome position (GRCh38, 1-based): chr1:103,017,873, C>A on the plus strand (G>T on the coding strand, the complement: COL11A1 is on the minus strand). VCF-style: chr1-103017873-C-A. GRCh37 (hg19) VCF-style: chr1-103483429-C-A.
Other names: c.1243G>T, p.Gly415Cys (NM_001190709.2); c.1396G>T, p.Gly466Cys (NM_080629.3); c.1012G>T, p.Gly338Cys (NM_080630.4); short protein forms G338C, G415C, G454C, G466C.
Identifiers: ClinVar variation 1306183 (VCV001306183.2), dbSNP rs2101915053, ClinGen allele CA341179713.
Genomic context (GRCh38, chr1:103,017,873, plus strand): 5'-CACTTACCCTATCGCCAGGGTCACCAGGGGGTCCAGTGGGGCCTTGTAGACCTGGAGGAC[C>A]CATAATACCCTATAGAGAAACACACCATATCTTAATCAGATTCCTAATCTCATTAATATT-3'
Protein context (NP_001845.3, residues 444-464): PGPAGPAGIM[Gly454Cys]PPGLQGPTGP